The following is an entry in ClinVar:

ClinVar aggregate classification (germline): Uncertain significance. Review status: criteria provided, multiple submitters, no conflicts (2 of 4 stars). 2 submissions from 2 submitters: Uncertain significance (2). Last evaluated 2025-10-23.

Conditions:
SCLT1-related disorder. Also called: SCLT1-related condition.

gnomAD v4.1: 4 of 1,596,892 alleles (0.00025%); highest among the groups gnomAD compares: Non-Finnish European, 0.00034%; no homozygotes.

Submissions (2):

PreventionGenetics, part of Exact Sciences
Classification: Uncertain significance for SCLT1-related condition. Last evaluated: 2025-10-23. Review status: criteria provided, single submitter. Criteria: ACMG Guidelines, 2015. Collection method: clinical testing. Allele origin: germline.
Comment: The SCLT1 c.1069A>G variant is predicted to result in the amino acid substitution p.Lys357Glu. To our knowledge, this variant has not been reported in the literature. This variant is reported in 0.0018% of alleles in individuals of European (Non-Finnish) descent in gnomAD. At this time, the clinical significance of this variant is uncertain due to the absence of conclusive functional and genetic evidence.

Ambry Genetics
Classification: Uncertain significance. Last evaluated: 2025-07-14. Review status: criteria provided, single submitter. Criteria: Ambry Variant Classification Scheme 2023. Collection method: clinical testing. Allele origin: germline.

NM_144643.4(SCLT1):c.1069A>G (p.Lys357Glu)

Gene: SCLT1 (sodium channel and clathrin linker 1; minus strand). Cytogenetic location: 4q28.2.
Variant type: single nucleotide variant.
Coding change: c.1069A>G on transcript NM_144643.4 (MANE Select); coding-DNA position 1069, A replaced by G.
Protein change: p.Lys357Glu; replaces lysine 357 with glutamic acid.
Molecular consequence: missense variant.
Genome position (GRCh38, 1-based): chr4:128,957,103, T>C on the plus strand (A>G on the coding strand, the complement: SCLT1 is on the minus strand). VCF-style: chr4-128957103-T-C. GRCh37 (hg19) VCF-style: chr4-129878258-T-C.
Other names: c.1069A>G (NM_144643.3); c.1069A>G, p.Lys357Glu (NM_001410807.1); short protein forms K357E.
Identifiers: ClinVar variation 4160485 (VCV004160485.2).